The following is an entry in ClinVar:

NM_003579.4(RAD54L):c.776T>G (p.Met259Arg)

Gene: RAD54L (RAD54 like; plus strand). Cytogenetic location: 1p34.1.
Variant type: single nucleotide variant.
Coding change: c.776T>G on transcript NM_003579.4 (MANE Select); coding-DNA position 776, T replaced by G.
Protein change: p.Met259Arg; replaces methionine 259 with arginine.
Molecular consequence: missense variant.
Genome position (GRCh38, 1-based): chr1:46,261,270, T>G. VCF-style: chr1-46261270-T-G. GRCh37 (hg19) VCF-style: chr1-46726942-T-G.
Other names: c.776T>G, p.Met259Arg (NM_001142548.2); c.236T>G, p.Met79Arg (NM_001370766.1); short protein forms M259R, M79R.
Identifiers: ClinVar variation 1760549 (VCV001760549.3), dbSNP rs1012002768, ClinGen allele CA21906335.

ClinVar aggregate classification (germline): Uncertain significance (1 of 4 stars; one submission).

Allele frequency attached by ClinVar (database versions not stated): gnomAD exomes below 0.00001; TOPMed 0.00002.
gnomAD v4.1: 1 of 1,613,452 alleles (0.000062%); highest among the groups gnomAD compares: African/African-American, 0.0013%; no homozygotes.

Submission:

Ambry Genetics
Classification: Uncertain significance. Last evaluated: 2024-04-20. Review status: criteria provided, single submitter. Criteria: Ambry Variant Classification Scheme 2023. Collection method: clinical testing. Allele origin: germline.
Comment: The p.M259R variant (also known as c.776T>G), located in coding exon 8 of the RAD54L gene, results from a T to G substitution at nucleotide position 776. The methionine at codon 259 is replaced by arginine, an amino acid with similar properties. This amino acid position is conserved. In addition, this alteration is predicted to be deleterious by in silico analysis. Since supporting evidence is limited at this time, the clinical significance of this alteration remains unclear.